The following is an entry in ClinVar:

NM_001184880.2(PCDH19):c.1878C>A (p.Thr626=)

Gene: PCDH19 (protocadherin 19; minus strand). Cytogenetic location: Xq22.1.
Variant type: single nucleotide variant.
Coding change: c.1878C>A on transcript NM_001184880.2 (MANE Select); coding-DNA position 1878, C replaced by A.
Protein change: p.Thr626=; no amino-acid change (threonine 626 retained).
Molecular consequence: synonymous variant.
Genome position (GRCh38, 1-based): chrX:100,406,720, G>T on the plus strand (C>A on the coding strand, the complement: PCDH19 is on the minus strand). VCF-style: chrX-100406720-G-T. GRCh37 (hg19) VCF-style: chrX-99661718-G-T.
Other names: c.1878C>A, p.Thr626= (NM_001105243.2, NM_020766.3).
Identifiers: ClinVar variation 3047503 (VCV003047503.2), dbSNP rs2520977555, ClinGen allele CA517747891.

ClinVar aggregate classification (germline): Likely benign (0 of 4 stars; one submission).

Conditions:
PCDH19-related disorder. Also called: PCDH19-related condition.

Allele frequency attached by ClinVar (database versions not stated): gnomAD exomes below 0.00001.
gnomAD v4.1: 1 of 1,211,882 alleles (0.000083%); highest among the groups gnomAD compares: African/African-American, 0.0017%; no homozygotes.

Submission:

PreventionGenetics, part of Exact Sciences
Classification: Likely benign for PCDH19-related condition. Last evaluated: 2019-03-25. Review status: no assertion criteria provided. Collection method: clinical testing. Allele origin: germline.
Comment: This variant is classified as likely benign based on ACMG/AMP sequence variant interpretation guidelines (Richards et al. 2015 PMID: 25741868, with internal and published modifications).